The following is an entry in ClinVar:

ClinVar aggregate classification (germline): Uncertain significance (1 of 4 stars; one submission).

Conditions:
Developmental and epileptic encephalopathy, 36 (DEE36). Also called: Epileptic encephalopathy, early infantile, 36; Congenital disorder of glycosylation, type Is; ALG13-CDG. Identifiers: Orphanet 324422, MedGen C4317295, MONDO:0010472, OMIM 300884.

Allele frequency attached by ClinVar (database versions not stated): ExAC 0.00001.

Submission:

Labcorp Genetics (formerly Invitae), Labcorp
Classification: Uncertain significance for Developmental and epileptic encephalopathy, 36. Last evaluated: 2023-05-15. Review status: criteria provided, single submitter. Criteria: Invitae Variant Classification Sherloc (09022015). Collection method: clinical testing. Allele origin: germline.
Comment: This variant has not been reported in the literature in individuals affected with ALG13-related conditions. ClinVar contains an entry for this variant (Variation ID: 1715100). Algorithms developed to predict the effect of missense changes on protein structure and function output the following: SIFT: "Not Available"; PolyPhen-2: "Benign"; Align-GVGD: "Not Available". The proline amino acid residue is found in multiple mammalian species, which suggests that this missense change does not adversely affect protein function. In summary, the available evidence is currently insufficient to determine the role of this variant in disease. Therefore, it has been classified as a Variant of Uncertain Significance. This variant is present in population databases (rs752580465, gnomAD 0.004%), including at least one homozygous and/or hemizygous individual. This sequence change replaces histidine, which is basic and polar, with proline, which is neutral and non-polar, at codon 1012 of the ALG13 protein (p.His1012Pro).

NM_001099922.3(ALG13):c.3035A>C (p.His1012Pro)

Gene: ALG13 (ALG13 UDP-N-acetylglucosaminyltransferase subunit; plus strand). Cytogenetic location: Xq23.
Variant type: single nucleotide variant.
Coding change: c.3035A>C on transcript NM_001099922.3 (MANE Select); coding-DNA position 3035, A replaced by C.
Protein change: p.His1012Pro; replaces histidine 1012 with proline.
Molecular consequence: missense variant. On other transcripts: non-coding transcript variant (1).
Genome position (GRCh38, 1-based): chrX:111,757,649, A>C. VCF-style: chrX-111757649-A-C. GRCh37 (hg19) VCF-style: chrX-111000877-A-C.
Other names: c.2486A>C, p.His829Pro (NM_001257237.2, NM_001257230.2, NM_001257234.2); c.2798A>C, p.His933Pro (NM_001324292.2); c.2312A>C, p.His771Pro (NM_001324293.1); c.2801A>C, p.His934Pro (NM_001257231.2); short protein forms H1012P, H771P, H829P, H933P, H934P.
Identifiers: ClinVar variation 1715100 (VCV001715100.6), dbSNP rs752580465, ClinGen allele CA10494034.